The following is an entry in ClinVar:

ClinVar aggregate classification (germline): Uncertain significance (1 of 4 stars; one submission).

Conditions:
Familial adenomatous polyposis 1 (FAP1). Also called: FAMILIAL ADENOMATOUS POLYPOSIS 1, ATTENUATED; POLYPOSIS, ADENOMATOUS INTESTINAL. Identifiers: MedGen C2713442, MONDO:0021056, OMIM 175100. Disease mechanism: loss of function.

Submission:

Labcorp Genetics (formerly Invitae), Labcorp
Classification: Uncertain significance for Familial adenomatous polyposis 1. Last evaluated: 2025-07-30. Review status: criteria provided, single submitter. Criteria: Invitae Variant Classification Sherloc (09022015). Collection method: clinical testing. Allele origin: germline.
Comment: This sequence change replaces asparagine, which is neutral and polar, with histidine, which is basic and polar, at codon 2705 of the APC protein (p.Asn2705His). This variant is not present in population databases (gnomAD no frequency). This variant has not been reported in the literature in individuals affected with APC-related conditions. ClinVar contains an entry for this variant (Variation ID: 3635523). Invitae Evidence Modeling of protein sequence and biophysical properties (such as structural, functional, and spatial information, amino acid conservation, physicochemical variation, residue mobility, and thermodynamic stability) indicates that this missense variant is not expected to disrupt APC protein function with a negative predictive value of 95%. In summary, the available evidence is currently insufficient to determine the role of this variant in disease. Therefore, it has been classified as a Variant of Uncertain Significance.

NM_000038.6(APC):c.8113A>C (p.Asn2705His)

Gene: APC (APC regulator of Wnt signaling pathway; plus strand). Cytogenetic location: 5q22.2.
Variant type: single nucleotide variant.
Coding change: c.8113A>C on transcript NM_000038.6 (MANE Select); coding-DNA position 8113, A replaced by C.
Protein change: p.Asn2705His; replaces asparagine 2705 with histidine.
Molecular consequence: missense variant. On other transcripts: non-coding transcript variant (2).
Genome position (GRCh38, 1-based): chr5:112,843,707, A>C. VCF-style: chr5-112843707-A-C. GRCh37 (hg19) VCF-style: chr5-112179404-A-C.
Other names: c.8167A>C, p.Asn2723His (NM_001407449.1, NM_001354896.2, NM_001407447.1 and 1 more transcripts); c.8113A>C, p.Asn2705His (NM_001407450.1, NM_001127510.3, NM_001354895.2); c.8092A>C, p.Asn2698His (NM_001407451.1); c.8083A>C, p.Asn2695His (NM_001407452.1); c.7936A>C, p.Asn2646His (NM_001407453.1, NM_001354901.2); c.7864A>C, p.Asn2622His (NM_001407454.1, NM_001407455.1, NM_001407456.1 and 1 more transcripts); c.7810A>C, p.Asn2604His (NM_001407458.1, NM_001407459.1, NM_001407460.1 and 1 more transcripts); c.7726A>C, p.Asn2576His (NM_001407467.1, NM_001407469.1); and 11 more; short protein forms N2545H, N2677H, N2705H, N2422H, N2576H, N2579H, N2622H, N2680H.
Identifiers: ClinVar variation 3635523 (VCV003635523.2).
Genomic context (GRCh38, chr5:112,843,707, plus strand): 5'-AGTGTTTCAGAAAAGGCAAATCCAAACATTAAAGATTCAAAAGATAATCAGGCAAAACAA[A>C]ATGTGGGTAATGGCAGTGTTCCCATGCGTACCGTGGGTTTGGAAAATCGCCTGAACTCCT-3'
Protein context (NP_000029.2, residues 2695-2715): KDSKDNQAKQ[Asn2705His]VGNGSVPMRT